The following is an entry in ClinVar:

ClinVar aggregate classification (germline): Uncertain significance (1 of 4 stars; one submission).

Submission:

Laboratory for Molecular Medicine, Mass General Brigham Personalized Medicine
Classification: Uncertain significance. Last evaluated: 2017-02-25. Review status: criteria provided, single submitter. Criteria: LMM Criteria. Collection method: clinical testing. Allele origin: germline. Observed: 1 variant allele.
Comment: The p.Gly460Arg variant in PMS2 has not been previously reported in individuals with Lynch syndrome or in large population studies. Computational prediction too ls and conservation analysis suggest that the p.Gly460Arg variant may not impact the protein, though this information is not predictive enough to rule out patho genicity. In summary, the clinical significance of the p.Gly460Arg variant is un certain.

NM_000535.7(PMS2):c.1378G>C (p.Gly460Arg)

Gene: PMS2 (PMS1 homolog 2, mismatch repair system component; minus strand). Cytogenetic location: 7p22.1.
Variant type: single nucleotide variant.
Coding change: c.1378G>C on transcript NM_000535.7 (MANE Select); coding-DNA position 1378, G replaced by C.
Protein change: p.Gly460Arg; replaces glycine 460 with arginine.
Molecular consequence: missense variant. On other transcripts: non-coding transcript variant (1).
Genome position (GRCh38, 1-based): chr7:5,987,387, C>G on the plus strand (G>C on the coding strand, the complement: PMS2 is on the minus strand). VCF-style: chr7-5987387-C-G. GRCh37 (hg19) VCF-style: chr7-6027018-C-G.
Other names: c.973G>C, p.Gly325Arg (NM_001322003.2, NM_001322004.2, NM_001322005.2 and 1 more transcripts); c.1222G>C, p.Gly408Arg (NM_001322006.2); c.1060G>C, p.Gly354Arg (NM_001322007.2, NM_001322008.2); c.817G>C, p.Gly273Arg (NM_001322010.2); c.445G>C, p.Gly149Arg (NM_001322011.2, NM_001322012.2); c.805G>C, p.Gly269Arg (NM_001322013.2); c.1378G>C, p.Gly460Arg (NM_001322014.2); c.1069G>C, p.Gly357Arg (NM_001322015.2); short protein forms G460R, G357R, G149R, G408R, G273R, G325R, G269R, G354R.
Identifiers: ClinVar variation 517234 (VCV000517234.5), dbSNP rs1554297825, ClinGen allele CA366742194.
Genomic context (GRCh38, chr7:5,987,387, plus strand): 5'-CGTGACTGGAACTCACTGCCTCTTTCTGAGGTCTCAGGACGCCTTTGTCAGAGATGGCAC[C>G]TGAAGTGCTAGAAGACAGCATACCCCTTTTCTGTCCTAGAGGGCTCCTTCTTGGTTCTGG-3'
Protein context (NP_000526.2, residues 450-470): KRGMLSSSTS[Gly460Arg]AISDKGVLRP